The following is an entry in ClinVar:

ClinVar aggregate classification (germline): Uncertain significance (0 of 4 stars; one submission).

Conditions:
NRP2-related disorder. Also called: NRP2-related condition.

Submission:

PreventionGenetics, part of Exact Sciences
Classification: Uncertain significance for NRP2-related condition. Last evaluated: 2024-08-30. Review status: no assertion criteria provided. Collection method: clinical testing. Allele origin: germline.
Comment: The NRP2 c.137C>G variant is predicted to result in the amino acid substitution p.Pro46Arg. To our knowledge, this variant has not been reported in the literature or in a large population database, indicating this variant is rare. At this time, the clinical significance of this variant is uncertain due to the absence of conclusive functional and genetic evidence.

NM_003872.3(NRP2):c.137C>G (p.Pro46Arg)

Gene: NRP2 (neuropilin 2; plus strand). Cytogenetic location: 2q33.3.
Variant type: single nucleotide variant.
Coding change: c.137C>G on transcript NM_003872.3 (MANE Select); coding-DNA position 137, C replaced by G.
Protein change: p.Pro46Arg; replaces proline 46 with arginine.
Molecular consequence: missense variant.
Genome position (GRCh38, 1-based): chr2:205,697,607, C>G. VCF-style: chr2-205697607-C-G. GRCh37 (hg19) VCF-style: chr2-206562331-C-G.
Other names: c.137C>G, p.Pro46Arg (NM_018534.4, NM_201264.2, NM_201266.2 and 2 more transcripts); short protein forms P46R.
Identifiers: ClinVar variation 3345126 (VCV003345126.1).